The following is an entry in ClinVar:

NM_002049.4(GATA1):c.893G>A (p.Arg298Gln)

Gene: GATA1 (GATA binding protein 1; plus strand). Cytogenetic location: Xp11.23.
Variant type: single nucleotide variant.
Coding change: c.893G>A on transcript NM_002049.4 (MANE Select); coding-DNA position 893, G replaced by A.
Protein change: p.Arg298Gln; replaces arginine 298 with glutamine.
Molecular consequence: missense variant.
Genome position (GRCh38, 1-based): chrX:48,793,815, G>A. VCF-style: chrX-48793815-G-A. GRCh37 (hg19) VCF-style: chrX-48652222-G-A.
Other names: short protein forms R298Q.
Identifiers: ClinVar variation 1429222 (VCV001429222.7), dbSNP rs2147307511, ClinGen allele CA412871508.

ClinVar aggregate classification (germline): Uncertain significance. Review status: criteria provided, multiple submitters, no conflicts (2 of 4 stars). 2 submissions from 2 submitters: Uncertain significance (2). Last evaluated 2025-10-21.

Conditions:
X-linked dyserythropoetic anemia with abnormal platelets and neutropenia. Also called: ANEMIA, X-LINKED, WITH OR WITHOUT NEUTROPENIA AND/OR PLATELET ABNORMALITIES. Identifiers: Orphanet 363727, MedGen C3550856, MONDO:0010444, OMIM 300835.
Down syndrome (DS). Also called: T21. Identifiers: Orphanet 870, MedGen C0013080, MONDO:0008608, OMIM 190685. Disease mechanism: Meiosis non dynjunction. Inheritance: Chromosomal.
Thrombocytopenia, X-linked, with or without dyserythropoietic anemia (XLTDA). Identifiers: Orphanet 67044, MedGen C3550789, MONDO:0010308, OMIM 300367.
Beta-thalassemia-X-linked thrombocytopenia syndrome. Also called: THROMBOCYTOPENIA WITH BETA-THALASSEMIA, X-LINKED. Identifiers: Orphanet 231393, MedGen C1839161, MONDO:0010745, OMIM 314050.
GATA binding protein 1 related thrombocytopenia with dyserythropoiesis. Also called: GATA1-Related Cytopenia; GATA1-Related X-Linked Cytopenia. Identifiers: MedGen C1845837, MONDO:0100089.
Diamond-Blackfan anemia. Also called: Blackfan Diamond syndrome; Aregenerative anemia chronic congenital; Red cell aplasia, pure hereditary; Congenital hypoplastic anemia; Aase syndrome. Identifiers: Orphanet 124, MedGen C1260899, MeSH D029503, MONDO:0015253, HP:0004810.

Allele frequency attached by ClinVar (database versions not stated): gnomAD exomes below 0.00001.

Submissions (2):

Labcorp Genetics (formerly Invitae), Labcorp
Classification: Uncertain significance for GATA binding protein 1 related thrombocytopenia with dyserythropoiesis; Diamond-Blackfan anemia. Last evaluated: 2025-10-21. Review status: criteria provided, single submitter. Criteria: Invitae Variant Classification Sherloc (09022015). Collection method: clinical testing. Allele origin: germline.
Comment: This sequence change replaces arginine, which is basic and polar, with glutamine, which is neutral and polar, at codon 298 of the GATA1 protein (p.Arg298Gln). This variant is not present in population databases (gnomAD no frequency). This variant has not been reported in the literature in individuals affected with GATA1-related conditions. ClinVar contains an entry for this variant (Variation ID: 1429222). Invitae Evidence Modeling of protein sequence and biophysical properties (such as structural, functional, and spatial information, amino acid conservation, physicochemical variation, residue mobility, and thermodynamic stability) has been performed for this missense variant. However, the output from this modeling did not meet the statistical confidence thresholds required to predict the impact of this variant on GATA1 protein function. In summary, the available evidence is currently insufficient to determine the role of this variant in disease. Therefore, it has been classified as a Variant of Uncertain Significance.

Fulgent Genetics
Classification: Uncertain significance for Down syndrome; Thrombocytopenia, X-linked, with or without dyserythropoietic anemia; X-linked dyserythropoetic anemia with abnormal platelets and neutropenia; Beta-thalassemia-X-linked thrombocytopenia syndrome. Last evaluated: 2022-05-06. Review status: criteria provided, single submitter. Criteria: ACMG Guidelines, 2015. Collection method: clinical testing. Allele origin: unknown.